The following is an entry in ClinVar:

NM_000138.5(FBN1):c.1418G>T (p.Arg473Leu)

Gene: FBN1 (fibrillin 1; minus strand). Cytogenetic location: 15q21.1.
Variant type: single nucleotide variant.
Coding change: c.1418G>T on transcript NM_000138.5 (MANE Select); coding-DNA position 1418, G replaced by T.
Protein change: p.Arg473Leu; replaces arginine 473 with leucine.
Molecular consequence: missense variant.
Genome position (GRCh38, 1-based): chr15:48,515,437, C>A on the plus strand (G>T on the coding strand, the complement: FBN1 is on the minus strand). VCF-style: chr15-48515437-C-A. GRCh37 (hg19) VCF-style: chr15-48807634-C-A.
Other names: c.1418G>T, p.Arg473Leu (NM_001406716.1); short protein forms R473L.
Identifiers: ClinVar variation 3894427 (VCV003894427.1).

ClinVar aggregate classification (germline): Uncertain significance (1 of 4 stars; one submission).

Conditions:
Familial thoracic aortic aneurysm and aortic dissection (TAAD). Also called: Thoracic aortic aneurysms and dissections. Identifiers: Orphanet 91387, MedGen C4707243, MONDO:0019625.

Submission:

Color Diagnostics, LLC DBA Color Health
Classification: Uncertain significance for Familial thoracic aortic aneurysm and aortic dissection. Last evaluated: 2024-01-08. Review status: criteria provided, single submitter. Criteria: ACMG Guidelines, 2015. Collection method: clinical testing. Allele origin: germline.
Comment: This missense variant replaces arginine with leucine at codon 473 of the FBN1 protein. Computational prediction suggests that this variant may have deleterious impact on protein structure and function (internally defined REVEL score threshold >= 0.7, PMID: 27666373). To our knowledge, functional studies have not been reported for this variant. This variant has not been reported in individuals affected with FBN1-related disorders in the literature. This variant has not been identified in the general population by the Genome Aggregation Database (gnomAD). The available evidence is insufficient to determine the role of this variant in disease conclusively. Therefore, this variant is classified as a Variant of Uncertain Significance.